The following is an entry in ClinVar:

ClinVar aggregate classification (germline): Conflicting classifications of pathogenicity. Review status: criteria provided, conflicting classifications (1 of 4 stars). 2 submissions from 2 submitters: Uncertain significance (1); Likely benign (1). Last evaluated 2023-11-30.

Conditions:
Cardiovascular phenotype. Identifiers: MedGen CN230736.

gnomAD v4.1: 7 of 1,550,260 alleles (0.00045%); highest among the groups gnomAD compares: East Asian, 0.0098%; no homozygotes.

Submissions (2):

Ambry Genetics
Classification: Likely benign for Cardiovascular phenotype. Last evaluated: 2023-11-30. Review status: criteria provided, single submitter. Criteria: Ambry Variant Classification Scheme 2023. Collection method: clinical testing. Allele origin: germline.

Labcorp Genetics (formerly Invitae), Labcorp
Classification: Uncertain significance. Last evaluated: 2022-07-30. Review status: criteria provided, single submitter. Criteria: Invitae Variant Classification Sherloc (09022015). Collection method: clinical testing. Allele origin: germline.
Comment: This sequence change replaces proline, which is neutral and non-polar, with serine, which is neutral and polar, at codon 1220 of the ZNF469 protein (p.Pro1220Ser). This variant is present in population databases (no rsID available, gnomAD 0.008%). This variant has not been reported in the literature in individuals affected with ZNF469-related conditions. Algorithms developed to predict the effect of missense changes on protein structure and function output the following: SIFT: "Tolerated"; PolyPhen-2: "Benign"; Align-GVGD: "Class C0". The serine amino acid residue is found in multiple mammalian species, which suggests that this missense change does not adversely affect protein function. In summary, the available evidence is currently insufficient to determine the role of this variant in disease. Therefore, it has been classified as a Variant of Uncertain Significance.

NM_001367624.2(ZNF469):c.3742C>T (p.Pro1248Ser)

Gene: ZNF469 (zinc finger protein 469; plus strand). Cytogenetic location: 16q24.2.
Variant type: single nucleotide variant.
Coding change: c.3742C>T on transcript NM_001367624.2 (MANE Select); coding-DNA position 3742, C replaced by T.
Protein change: p.Pro1248Ser; replaces proline 1248 with serine.
Molecular consequence: missense variant.
Genome position (GRCh38, 1-based): chr16:88,431,212, C>T. VCF-style: chr16-88431212-C-T. GRCh37 (hg19) VCF-style: chr16-88497620-C-T.
Other names: NM_001127464.1:c.3658C>T; short protein forms P1248S.
Identifiers: ClinVar variation 1928284 (VCV001928284.3), dbSNP rs1027420142, ClinGen allele CA286375178.